The following is an entry in ClinVar:

ClinVar aggregate classification (germline): Uncertain significance (1 of 4 stars; one submission).

Conditions:
Isolated microphthalmia 5. Also called: Posterior Microphthalmia with Retinitis Pigmentosa, Foveoschisis, and Optic Disc Drusen. Identifiers: Orphanet 251279, MedGen C1970236, MONDO:0012605, OMIM 611040.

Submission:

Labcorp Genetics (formerly Invitae), Labcorp
Classification: Uncertain significance for Isolated microphthalmia 5. Last evaluated: 2020-05-09. Review status: criteria provided, single submitter. Criteria: Invitae Variant Classification Sherloc (09022015). Collection method: clinical testing. Allele origin: germline.
Comment: This sequence change replaces glycine with aspartic acid at codon 109 of the MFRP protein (p.Gly109Asp). The glycine residue is moderately conserved and there is a moderate physicochemical difference between glycine and aspartic acid. In summary, the available evidence is currently insufficient to determine the role of this variant in disease. Therefore, it has been classified as a Variant of Uncertain Significance. Algorithms developed to predict the effect of missense changes on protein structure and function output the following: SIFT: "Deleterious"; PolyPhen-2: "Benign"; Align-GVGD: "Class C0". The aspartic acid amino acid residue is found in multiple mammalian species, suggesting that this missense change does not adversely affect protein function. These predictions have not been confirmed by published functional studies and their clinical significance is uncertain. This variant has not been reported in the literature in individuals with MFRP-related conditions. This variant is not present in population databases (ExAC no frequency).

NM_031433.4(MFRP):c.326G>A (p.Gly109Asp)

Genes: C1QTNF5 (C1q and TNF related 5; minus strand), MFRP (membrane frizzled-related protein; minus strand). Cytogenetic location: 11q23.3.
Variant type: single nucleotide variant.
Coding change: c.326G>A on transcript NM_031433.4 (MANE Select); coding-DNA position 326, G replaced by A.
Protein change: p.Gly109Asp; replaces glycine 109 with aspartic acid.
Molecular consequence: missense variant. On other transcripts: 5 prime UTR variant (1).
Genome position (GRCh38, 1-based): chr11:119,345,874, C>T on the plus strand (G>A on the coding strand, the complement: MFRP is on the minus strand). VCF-style: chr11-119345874-C-T. GRCh37 (hg19) VCF-style: chr11-119216584-C-T.
Other names: c.-2311G>A (NM_015645.5); short protein forms G109D.
Identifiers: ClinVar variation 1002817 (VCV001002817.9), dbSNP rs775861737, ClinGen allele CA382978976.
Genomic context (GRCh38, chr11:119,345,874, plus strand): 5'-TTAGGGGTCCCAGCTGCCTGAGAGGTGGTGATGGTGGGGGTGGTGGTGGTCGTGGTAAGG[C>T]CTCCGGCAGGCAGTGGGCTATGGGACGCCCCAGATGGGGGTGCAGCCTGCAGCTCTGGAG-3'
Protein context (NP_113621.1, residues 99-119): GASHSPLPAG[Gly109Asp]LTTTTTTPTI